The following is an entry in ClinVar:

ClinVar aggregate classification (germline): Uncertain significance. Review status: criteria provided, multiple submitters, no conflicts (2 of 4 stars). 2 submissions from 2 submitters: Uncertain significance (2). Last evaluated 2024-10-15.

Conditions:
Pyruvate dehydrogenase E2 deficiency (PDHDD). Also called: Dihydrolipoamide Acetyltransferase (E2) Deficiency; LACTIC ACIDEMIA DUE TO DEFECT OF E2 LIPOYL TRANSACETYLASE OF THE PYRUVATE DEHYDROGENASE COMPLEX. Identifiers: Orphanet 765, Orphanet 79244, MedGen C1855565, MONDO:0009502, OMIM 245348.

gnomAD v4.1: 2 of 1,614,026 alleles (0.00012%); highest among the groups gnomAD compares: Admixed American, 0.0033%; no homozygotes.

Submissions (2):

Labcorp Genetics (formerly Invitae), Labcorp
Classification: Uncertain significance for Pyruvate dehydrogenase E2 deficiency. Last evaluated: 2024-10-15. Review status: criteria provided, single submitter. Criteria: Invitae Variant Classification Sherloc (09022015). Collection method: clinical testing. Allele origin: germline.
Comment: This sequence change replaces alanine, which is neutral and non-polar, with glycine, which is neutral and non-polar, at codon 191 of the DLAT protein (p.Ala191Gly). This variant is present in population databases (no rsID available, gnomAD 0.003%). This variant has not been reported in the literature in individuals affected with DLAT-related conditions. Invitae Evidence Modeling of protein sequence and biophysical properties (such as structural, functional, and spatial information, amino acid conservation, physicochemical variation, residue mobility, and thermodynamic stability) indicates that this missense variant is not expected to disrupt DLAT protein function with a negative predictive value of 80%. In summary, the available evidence is currently insufficient to determine the role of this variant in disease. Therefore, it has been classified as a Variant of Uncertain Significance.

Blueprint Genetics
Classification: Uncertain significance. Last evaluated: 2019-11-06. Review status: criteria provided, single submitter. Criteria: ACMG Guidelines, 2015. Collection method: clinical testing. Allele origin: germline.

NM_001931.5(DLAT):c.572C>G (p.Ala191Gly)

Gene: DLAT (dihydrolipoamide S-acetyltransferase; plus strand). Cytogenetic location: 11q23.1.
Variant type: single nucleotide variant.
Coding change: c.572C>G on transcript NM_001931.5 (MANE Select); coding-DNA position 572, C replaced by G.
Protein change: p.Ala191Gly; replaces alanine 191 with glycine.
Molecular consequence: missense variant. On other transcripts: non-coding transcript variant (1), intron variant (2).
Genome position (GRCh38, 1-based): chr11:112,028,857, C>G. VCF-style: chr11-112028857-C-G. GRCh37 (hg19) VCF-style: chr11-111899581-C-G.
Other names: c.572C>G, p.Ala191Gly (NM_001372031.1, NM_001372032.1, NM_001372033.1 and 3 more transcripts); c.539C>G, p.Ala180Gly (NM_001372034.1); c.446C>G, p.Ala149Gly (NM_001372036.1); c.404C>G, p.Ala135Gly (NM_001372037.1); c.110C>G, p.Ala37Gly (NM_001372042.1); c.381+2558C>G (NM_001372038.1); c.364+2575C>G (NM_001372040.1); short protein forms A135G, A149G, A191G, A37G, A180G.
Identifiers: ClinVar variation 3690573 (VCV003690573.3).